The following is an entry in ClinVar:

ClinVar aggregate classification (germline): Likely benign (1 of 4 stars; one submission).

Conditions:
Familial acute necrotizing encephalopathy (IIAE3). Also called: ENCEPHALOPATHY, ACUTE, INFECTION-INDUCED, SUSCEPTIBILITY TO, 3; Susceptibility to Acute Necrotizing Encephalopathy 1. Identifiers: Orphanet 88619, MedGen C2675556, MONDO:0011953, OMIM 608033.

Submission:

Laboratory of Molecular Genetics, CHU Rennes
Classification: Likely benign for Familial acute necrotizing encephalopathy. Last evaluated: 2026-06-08. Review status: criteria provided, single submitter. Criteria: ACMG Guidelines, 2015. Collection method: clinical testing. Allele origin: maternal. Inheritance: Autosomal dominant inheritance. Affected: yes.
Comment: The NM_006267.5:c.72+5G>A no alters splicing.

NM_006267.5(RANBP2):c.72+5G>A

Gene: RANBP2 (RAN binding protein 2; plus strand). Cytogenetic location: 2q13.
Variant type: single nucleotide variant.
Coding change: c.72+5G>A on transcript NM_006267.5 (MANE Select); 5 bases into the intron after coding-DNA position 72, G replaced by A.
Molecular consequence: intron variant.
Genome position (GRCh38, 1-based): chr2:108,719,683, G>A. VCF-style: chr2-108719683-G-A. GRCh37 (hg19) VCF-style: chr2-109336139-G-A.
Other names: c.72+5G>A (NM_001415871.1, NM_001415873.1, NM_001415872.1).
Identifiers: ClinVar variation 4857590 (VCV004857590.1).
Genomic context (GRCh38, chr2:108,719,683, plus strand): 5'-CTGACGTGGAGCGGTACATCGCCTCGGTGCAGGGCTCCACCCCGTCGCCTCGACAGGTGA[G>A]TGGGTCTCGAAGAGACCGACGGCCTCGACCTGGCCGGGCGGCGGCCTCGCGCTGCTCAGG-3'